The following is an entry in ClinVar:

NM_000093.5(COL5A1):c.4481C>T (p.Pro1494Leu)

Genes: COL5A1 (collagen type V alpha 1 chain; plus strand), LOC101448202 (uncharacterized LOC101448202; minus strand). Cytogenetic location: 9q34.3.
Variant type: single nucleotide variant.
Coding change: c.4481C>T on transcript NM_000093.5 (MANE Select); coding-DNA position 4481, C replaced by T.
Protein change: p.Pro1494Leu; replaces proline 1494 with leucine.
Molecular consequence: missense variant. On other transcripts: non-coding transcript variant (1).
Genome position (GRCh38, 1-based): chr9:134,820,150, C>T. VCF-style: chr9-134820150-C-T. GRCh37 (hg19) VCF-style: chr9-137711996-C-T.
Other names: p.P1494L:CCG>CTG; c.4481C>T, p.Pro1494Leu (NM_001278074.1); short protein forms P1494L.
Identifiers: ClinVar variation 213053 (VCV000213053.7), dbSNP rs773728118, ClinGen allele CA324585.

ClinVar aggregate classification (germline): Conflicting classifications of pathogenicity. Review status: criteria provided, conflicting classifications (1 of 4 stars). 4 submissions from 4 submitters: Uncertain significance (3); Likely benign (1). Last evaluated 2026-08-01.

Conditions:
Ehlers-Danlos syndrome, classic type, 1 (EDSCL1). Also called: Ehlers-Danlos syndrome, type 1; EHLERS-DANLOS SYNDROME, GRAVIS TYPE; EHLERS-DANLOS SYNDROME, SEVERE CLASSIC TYPE; Ehlers-Danlos Syndrome, Classic Type, COL5A1-Related; EDS I. Identifiers: MedGen C0268335, MONDO:0019567, OMIM 130000.
Familial thoracic aortic aneurysm and aortic dissection (TAAD). Also called: Thoracic aortic aneurysms and dissections. Identifiers: Orphanet 91387, MedGen C4707243, MONDO:0019625.

Allele frequency attached by ClinVar (database versions not stated): ExAC 0.00002; gnomAD exomes 0.00002.
gnomAD v4.1: 28 of 1,614,034 alleles (0.0017%); highest among the groups gnomAD compares: East Asian, 0.0045%; no homozygotes.

Submissions (4):

CeGaT Center for Human Genetics Tuebingen
Classification: Uncertain significance. Last evaluated: 2026-08-01. Review status: criteria provided, single submitter. Criteria: CeGaT Center For Human Genetics Tuebingen Variant Classification Criteria Version 2. Collection method: clinical testing. Allele origin: germline. Affected: yes. Observed: 1 variant allele.
Comment: COL5A1: PP3

Ambry Genetics
Classification: Uncertain significance for Familial thoracic aortic aneurysm and aortic dissection. Last evaluated: 2025-12-19. Review status: criteria provided, single submitter. Criteria: Ambry Variant Classification Scheme 2023. Collection method: clinical testing. Allele origin: germline.
Comment: The p.P1494L variant (also known as c.4481C>T), located in coding exon 58 of the COL5A1 gene, results from a C to T substitution at nucleotide position 4481. The proline at codon 1494 is replaced by leucine, an amino acid with similar properties. This variant was reported in individual(s) with features consistent with COL5A1-related classic Ehlers-Danlos syndrome (Angwin C et al. Br J Dermatol, 2020 Mar;182:698-707). This amino acid position is highly conserved in available vertebrate species. In addition, this alteration is predicted to be deleterious by in silico analysis. Based on the available evidence, the clinical significance of this variant remains unclear.

Labcorp Genetics (formerly Invitae), Labcorp
Classification: Likely benign for Ehlers-Danlos syndrome, classic type, 1. Last evaluated: 2025-04-08. Review status: criteria provided, single submitter. Criteria: Invitae Variant Classification Sherloc (09022015). Collection method: clinical testing. Allele origin: germline.

GeneDx
Classification: Uncertain significance. Last evaluated: 2014-09-25. Review status: criteria provided, single submitter. Criteria: GeneDx Variant Classification (06012015). Collection method: clinical testing. Allele origin: germline. Affected: yes.
Comment: p.Pro1494Leu (CCG>CTG): c.4481 C>T in exon 58 of the COL5A1 gene (NM_000093.3) The P1494L variant has not been published as a mutation, nor has it been reported as a benign polymorphism to our knowledge. The P1494L variant was not observed in approximately 6,500 individuals of European and African American ancestry in the NHLBI Exome Sequencing Project, indicating it is not a common benign variant in these populations. The P1494L variant is a semi-conservative amino acid substitution, which may impact secondary protein structure as these residues differ in some properties. This substitution occurs at a position that is conserved across species. In silico analysis predicts this variant is probably damaging to the protein structure/function. Additionally, missense mutations in nearby residues (G1486C, G1489R, G1489E, G1492S) have been reported in association with EDS, supporting the functional importance of this region of the protein. Therefore, based on the currently available information, it is unclear whether this variant is a pathogenic mutation or a rare benign variant.This variant was found in TAAD

Literature cited by the submitters: PubMed 31141158 (cited by Ambry Genetics).